The following is an entry in ClinVar:

ClinVar aggregate classification (germline): Uncertain significance (1 of 4 stars; one submission).

Submission:

Labcorp Genetics (formerly Invitae), Labcorp
Classification: Uncertain significance. Last evaluated: 2021-06-30. Review status: criteria provided, single submitter. Criteria: Invitae Variant Classification Sherloc (09022015). Collection method: clinical testing. Allele origin: germline.
Comment: This sequence change replaces arginine with threonine at codon 208 of the OTOG protein (p.Arg208Thr). The arginine residue is highly conserved and there is a moderate physicochemical difference between arginine and threonine. The frequency data for this variant in the population databases is considered unreliable, as metrics indicate insufficient coverage at this position in the ExAC database. This variant has not been reported in the literature in individuals affected with OTOG-related conditions. Algorithms developed to predict the effect of missense changes on protein structure and function are either unavailable or do not agree on the potential impact of this missense change (SIFT: "Deleterious"; PolyPhen-2: "Probably Damaging"; Align-GVGD: "Class C0"). In summary, the available evidence is currently insufficient to determine the role of this variant in disease. Therefore, it has been classified as a Variant of Uncertain Significance.

NM_001292063.2(OTOG):c.587G>C (p.Arg196Thr)

Gene: OTOG (otogelin; plus strand). Cytogenetic location: 11p15.1.
Variant type: single nucleotide variant.
Coding change: c.587G>C on transcript NM_001292063.2 (MANE Select); coding-DNA position 587, G replaced by C.
Protein change: p.Arg196Thr; replaces arginine 196 with threonine.
Molecular consequence: missense variant.
Genome position (GRCh38, 1-based): chr11:17,555,825, G>C. VCF-style: chr11-17555825-G-C. GRCh37 (hg19) VCF-style: chr11-17577372-G-C.
Other names: c.623G>C, p.Arg208Thr (NM_001277269.2); short protein forms R196T, R208T.
Identifiers: ClinVar variation 1429016 (VCV001429016.8), dbSNP rs983961694, ClinGen allele CA379812464.